The following is an entry in ClinVar:

NM_003265.3(TLR3):c.2102C>T (p.Pro701Leu)

Gene: TLR3 (toll like receptor 3; plus strand). Cytogenetic location: 4q35.1.
Variant type: single nucleotide variant.
Coding change: c.2102C>T on transcript NM_003265.3 (MANE Select); coding-DNA position 2102, C replaced by T.
Protein change: p.Pro701Leu; replaces proline 701 with leucine.
Molecular consequence: missense variant.
Genome position (GRCh38, 1-based): chr4:186,083,788, C>T. VCF-style: chr4-186083788-C-T. GRCh37 (hg19) VCF-style: chr4-187004942-C-T.
Other names: short protein forms P701L.
Identifiers: ClinVar variation 960984 (VCV000960984.10), dbSNP rs781701275, ClinGen allele CA3161517.
Genomic context (GRCh38, chr4:186,083,788, plus strand): 5'-CTCACTATCATGGGTTCCCAGTGAGACTTTTTGATACATCATCTTGCAAAGACAGTGCCC[C>T]CTTTGAACTCTTTTTCATGATCAATACCAGTATCCTGTTGATTTTTATCTTTATTGTACT-3'
Protein context (NP_003256.1, residues 691-711): FDTSSCKDSA[Pro701Leu]FELFFMINTS

ClinVar aggregate classification (germline): Uncertain significance (1 of 4 stars; one submission).

Conditions:
Encephalopathy, acute, infection-induced (herpes-specific), susceptibility to, 1. Also called: Herpes simplex encephalitis, susceptibility to, 1. Identifiers: Orphanet 1930, MedGen C2750180, MONDO:0024563, OMIM 610551.

Allele frequency attached by ClinVar (database versions not stated): gnomAD 0.00002.

Submission:

Labcorp Genetics (formerly Invitae), Labcorp
Classification: Uncertain significance for Encephalopathy, acute, infection-induced (herpes-specific), susceptibility to, 1. Last evaluated: 2026-01-09. Review status: criteria provided, single submitter. Criteria: Invitae Variant Classification Sherloc (09022015). Collection method: clinical testing. Allele origin: germline.
Comment: This sequence change replaces proline, which is neutral and non-polar, with leucine, which is neutral and non-polar, at codon 701 of the TLR3 protein (p.Pro701Leu). This variant is present in population databases (rs781701275, gnomAD 0.05%). This variant has not been reported in the literature in individuals affected with TLR3-related conditions. ClinVar contains an entry for this variant (Variation ID: 960984). An algorithm developed to predict the effect of missense changes on protein structure and function (PolyPhen-2) suggests that this variant is likely to be disruptive. In summary, the available evidence is currently insufficient to determine the role of this variant in disease. Therefore, it has been classified as a Variant of Uncertain Significance.